The following continues an entry in ClinVar:

NM_000518.5(HBB):c.135del (p.Phe46fs)

ClinVar aggregate classification (germline): Pathogenic/Likely pathogenic. Pathogenic (15); Likely pathogenic (1).

Submissions 11 to 20 of 20:

Revvity Omics, Revvity
Classification: Pathogenic. Last evaluated: 2022-02-22. Review status: criteria provided, single submitter. Criteria: ACMG Guidelines, 2015. Collection method: clinical testing. Allele origin: germline.

Genome-Nilou Lab
Classification: Pathogenic for Beta-thalassemia HBB/LCRB. Last evaluated: 2021-07-22. Review status: criteria provided, single submitter. Criteria: ACMG Guidelines, 2015. Collection method: clinical testing. Allele origin: germline. Affected: no.

Institute of Human Genetics, University of Leipzig Medical Center
Classification: Likely pathogenic for Dominant beta-thalassemia. Last evaluated: 2021-06-28. Review status: criteria provided, single submitter. Criteria: ACMG Guidelines, 2015. Collection method: clinical testing. Allele origin: unknown. Affected: yes.

Women's Health and Genetics/Laboratory Corporation of America, LabCorp
Classification: Pathogenic for beta Thalassemia. Last evaluated: 2016-08-15. Review status: criteria provided, single submitter. Criteria: LabCorp Variant Classification Summary - May 2015. Collection method: clinical testing. Allele origin: germline.
Comment: Variant summary: The HBB c.135delC (p.Phe46Leufs) variant results in a premature termination codon, predicted to cause a truncated or absent HBB protein due to nonsense mediated decay, which are commonly known mechanisms for disease. Truncations downstream of this position have been classified as pathogenic by our laboratory (e.g. c.143_146dupATCT (p.Thr51fs)). One in silico tool predicts a damaging outcome for this variant. This variant was found in 4/121382 control chromosomes at a frequency of 0.000033, which does not exceed the estimated maximal expected allele frequency of a pathogenic HBB variant (0.0111803). This variant has been reported in numerous BTHAL patients and multiple clinical diagnostic laboratories/reputable databases classified this variant as pathogenic. The variant has been indicated to be a common BTHAL mutation in Middle Eastern individuals. Taken together, this variant is classified as pathogenic.

Clinical Genetics and Genomics, Karolinska University Hospital
Classification: Pathogenic. Last evaluated: 2016-01-20. Review status: criteria provided, single submitter. Criteria: ACMG Guidelines, 2015. Collection method: clinical testing. Allele origin: germline. Affected: yes. Observed: 9 variant alleles.

Kariminejad - Najmabadi Pathology & Genetics Center
Classification: Pathogenic for Hb SS disease. Review status: criteria provided, single submitter. Criteria: ACMG Guidelines, 2015. Collection method: clinical testing. Allele origin: germline. Affected: no.

The ITHANET community portal, The Cyprus Institute of Neurology and Genetics
Classification: Pathogenic for beta Thalassemia. Last evaluated: 2019-11-25. Review status: no assertion criteria provided. Collection method: curation. Allele origin: germline. Not counted in ClinVar's aggregate classification.

Counsyl
Classification: Pathogenic for beta Thalassemia. Last evaluated: 2014-05-31. Review status: no assertion criteria provided. Collection method: literature only. Allele origin: unknown. Inheritance: Autosomal recessive inheritance. Not counted in ClinVar's aggregate classification.

OMIM
Classification: Pathogenic for BETA-ZERO-THALASSEMIA. Last evaluated: 1982-09-25. Review status: no assertion criteria provided. Collection method: literature only. Allele origin: germline. Not counted in ClinVar's aggregate classification.

GeneReviews
No classification provided. Condition: beta Thalassemia. Review status: no classification provided. Collection method: literature only. Allele origin: germline. Not counted in ClinVar's aggregate classification.

Literature cited by the submitters: PubMed 25677748 (cited by Quest Diagnostics Nichols Institute San Juan Capistrano and Women's Health and Genetics/Laboratory Corporation of America, LabCorp); PubMed 28391758 (cited by Quest Diagnostics Nichols Institute San Juan Capistrano and Labcorp Genetics (formerly Invitae), Labcorp); PubMed 28670940 (cited by Quest Diagnostics Nichols Institute San Juan Capistrano and Labcorp Genetics (formerly Invitae), Labcorp); PubMed 23812938 (cited by 3 submitters); PubMed 39359944 (cited by Quest Diagnostics Nichols Institute San Juan Capistrano); PubMed 38708170 (cited by Quest Diagnostics Nichols Institute San Juan Capistrano); PubMed 6292840 (cited by 4 submitters); PubMed 1986379 (cited by 5 submitters); PubMed 10636742 (cited by Natera, Inc.); PubMed 23637309 (cited by Labcorp Genetics (formerly Invitae), Labcorp); PubMed 11570721 (cited by Counsyl); PubMed 6101206 (cited by Counsyl); PubMed 1545796 (cited by Counsyl); NCBI Bookshelf NBK1426 (cited by GeneReviews).